The following is an entry in ClinVar:

ClinVar aggregate classification (germline): Benign (0 of 4 stars; one submission).

Conditions:
NFIB-related disorder. Also called: NFIB-related condition.

Allele frequency attached by ClinVar (database versions not stated): gnomAD exomes 0.00214; ExAC 0.00367; 1000 Genomes Project 0.02636; 1000 Genomes Project 30x 0.02811.
gnomAD v4.1: 6,455 of 1,535,328 alleles (0.42%); highest among the groups gnomAD compares: African/African-American, 7.7%; 216 homozygotes.

Submission:

PreventionGenetics, part of Exact Sciences
Classification: Benign for NFIB-related condition. Last evaluated: 2019-05-20. Review status: no assertion criteria provided. Collection method: clinical testing. Allele origin: germline.
Comment: This variant is classified as benign based on ACMG/AMP sequence variant interpretation guidelines (Richards et al. 2015 PMID: 25741868, with internal and published modifications).

NM_001190738.2(NFIB):c.70A>T (p.Ile24Phe)

Gene: NFIB (nuclear factor I B; minus strand). Cytogenetic location: 9p22.3.
Variant type: single nucleotide variant.
Coding change: c.70A>T on transcript NM_001190738.2; coding-DNA position 70, A replaced by T.
Protein change: p.Ile24Phe; replaces isoleucine 24 with phenylalanine.
Molecular consequence: missense variant. On other transcripts: intron variant (4).
Genome position (GRCh38, 1-based): chr9:14,398,562, T>A on the plus strand (A>T on the coding strand, the complement: NFIB is on the minus strand). VCF-style: chr9-14398562-T-A. GRCh37 (hg19) VCF-style: chr9-14398561-T-A.
Other names: c.97-91042A>T (NM_001369468.1, NM_001369462.1, NM_001369459.1 and 1 more transcripts); short protein forms I24F.
Identifiers: ClinVar variation 3037360 (VCV003037360.2), dbSNP rs114558598, ClinGen allele CA4988767.